The following is an entry in ClinVar:

NM_005876.5(SPEG):c.6233G>A (p.Gly2078Asp)

Genes: ASIC4-AS1 (ASIC4 antisense RNA 1; minus strand), SPEG (striated muscle enriched protein kinase; plus strand). Cytogenetic location: 2q35.
Variant type: single nucleotide variant.
Coding change: c.6233G>A on transcript NM_005876.5 (MANE Select); coding-DNA position 6233, G replaced by A.
Protein change: p.Gly2078Asp; replaces glycine 2078 with aspartic acid.
Molecular consequence: missense variant.
Genome position (GRCh38, 1-based): chr2:219,483,696, G>A. VCF-style: chr2-219483696-G-A. GRCh37 (hg19) VCF-style: chr2-220348418-G-A.
Other names: short protein forms G2078D.
Identifiers: ClinVar variation 2956477 (VCV002956477.3), dbSNP rs1225651668, ClinGen allele CA350697139.
Genomic context (GRCh38, chr2:219,483,696, plus strand): 5'-TGGGTGAGGGCGAGTATGCCCAGAGGCTGCAGGCCCTGCGCCAGCGGCTGCTGCGGGGAG[G>A]CCCCGAGGATGGCAAGGTCAGCGGCCTCAGGGGTCCCCTGCTGGAGAGCCTGGGGGGCCG-3'
Protein context (NP_005867.3, residues 2068-2088): QALRQRLLRG[Gly2078Asp]PEDGKVSGLR

ClinVar aggregate classification (germline): Uncertain significance (1 of 4 stars; one submission).

Allele frequency attached by ClinVar (database versions not stated): gnomAD 0.00001; TOPMed 0.00001; gnomAD exomes 0.00001.
gnomAD v4.1: 11 of 1,533,812 alleles (0.00072%); highest among the groups gnomAD compares: African/African-American, 0.0041%; no homozygotes.

Submission:

Labcorp Genetics (formerly Invitae), Labcorp
Classification: Uncertain significance. Last evaluated: 2025-11-23. Review status: criteria provided, single submitter. Criteria: Invitae Variant Classification Sherloc (09022015). Collection method: clinical testing. Allele origin: germline.
Comment: This sequence change replaces glycine, which is neutral and non-polar, with aspartic acid, which is acidic and polar, at codon 2078 of the SPEG protein (p.Gly2078Asp). The frequency data for this variant in the population databases is considered unreliable, as metrics indicate poor data quality at this position in the gnomAD database. This variant has not been reported in the literature in individuals affected with SPEG-related conditions. ClinVar contains an entry for this variant (Variation ID: 2956477). An algorithm developed to predict the effect of missense changes on protein structure and function (PolyPhen-2) suggests that this variant is likely to be disruptive. In summary, the available evidence is currently insufficient to determine the role of this variant in disease. Therefore, it has been classified as a Variant of Uncertain Significance.